The following is an entry in ClinVar:

NM_000179.3(MSH6):c.261-2A>T

Gene: MSH6 (mutS homolog 6; plus strand). Cytogenetic location: 2p16.3.
Variant type: single nucleotide variant.
Coding change: c.261-2A>T on transcript NM_000179.3 (MANE Select); the canonical splice acceptor site of the intron before coding-DNA position 261, A replaced by T.
Molecular consequence: splice acceptor variant. On other transcripts: 5 prime UTR variant (1), intron variant (5).
Genome position (GRCh38, 1-based): chr2:47,790,925, A>T. VCF-style: chr2-47790925-A-T. GRCh37 (hg19) VCF-style: chr2-48018064-A-T.
Other names: c.-39A>T (NM_001406830.1); c.261-2A>T (NM_001406809.1, NM_001406796.1, NM_001406813.1 and 6 more transcripts); c.-476-2A>T (NM_001406811.1, NM_001281493.2, NM_001406829.1 and 1 more transcripts); c.-37-2A>T (NM_001406805.1, NM_001406797.1, NM_001406801.1 and 9 more transcripts); c.357-2A>T (NM_001406795.1, NM_001406802.1); c.-668-2A>T (NM_001406807.1); c.-734-2A>T (NM_001406814.1); c.-323-2A>T (NM_001406812.1); and 7 more.
Identifiers: ClinVar variation 2673580 (VCV002673580.1), dbSNP rs2104098003, ClinGen allele CA346736411.

ClinVar aggregate classification (germline): Likely pathogenic (1 of 4 stars; one submission).

Conditions:
Lynch syndrome 5 (LYNCH5). Also called: Colorectal cancer, hereditary nonpolyposis, type 5; Hereditary non-polyposis colorectal cancer, type 5. Identifiers: Orphanet 144, MedGen C1833477, MONDO:0013710, OMIM 614350. Disease mechanism: loss of function.

Submission:

Myriad Genetics, Inc.
Classification: Likely pathogenic for Lynch syndrome 5. Last evaluated: 2023-08-10. Review status: criteria provided, single submitter. Criteria: Myriad Autosomal Dominant, Autosomal Recessive and X-Linked Classification Criteria (2023). Collection method: clinical testing. Allele origin: unknown.
Comment: This variant is considered likely pathogenic. This variant occurs within a consensus splice junction and is predicted to result in abnormal mRNA splicing of either an out-of-frame exon or an in-frame exon necessary for protein stability and/or normal function.